The following is an entry in ClinVar:

ClinVar aggregate classification (germline): Uncertain significance. Review status: criteria provided, multiple submitters, no conflicts (2 of 4 stars). 2 submissions from 2 submitters: Uncertain significance (2). Last evaluated 2025-07-14.

Conditions:
Nephronophthisis. Also called: Juvenile Nephronophthisis. Identifiers: Orphanet 655, MedGen C0687120, MONDO:0019005, HP:0000090.

Allele frequency attached by ClinVar (database versions not stated): gnomAD 0.00001; gnomAD exomes 0.00002; TOPMed 0.00002; ExAC 0.00003.
gnomAD v4.1: 29 of 1,610,720 alleles (0.0018%); highest among the groups gnomAD compares: Non-Finnish European, 0.0025%; no homozygotes.

Submissions (2):

Labcorp Genetics (formerly Invitae), Labcorp
Classification: Uncertain significance for Nephronophthisis. Last evaluated: 2025-07-14. Review status: criteria provided, single submitter. Criteria: Invitae Variant Classification Sherloc (09022015). Collection method: clinical testing. Allele origin: germline.
Comment: This sequence change replaces leucine, which is neutral and non-polar, with arginine, which is basic and polar, at codon 152 of the IQCB1 protein (p.Leu152Arg). This variant is present in population databases (rs747619740, gnomAD 0.004%). This variant has not been reported in the literature in individuals affected with IQCB1-related conditions. ClinVar contains an entry for this variant (Variation ID: 2201121). Invitae Evidence Modeling of protein sequence and biophysical properties (such as structural, functional, and spatial information, amino acid conservation, physicochemical variation, residue mobility, and thermodynamic stability) has been performed for this missense variant. However, the output from this modeling did not meet the statistical confidence thresholds required to predict the impact of this variant on IQCB1 protein function. In summary, the available evidence is currently insufficient to determine the role of this variant in disease. Therefore, it has been classified as a Variant of Uncertain Significance.

Blueprint Genetics
Classification: Uncertain significance. Last evaluated: 2024-10-03. Review status: criteria provided, single submitter. Criteria: ACMG Guidelines, 2015. Collection method: clinical testing. Allele origin: germline.

NM_001023570.4(IQCB1):c.455T>G (p.Leu152Arg)

Gene: IQCB1 (IQ motif containing B1; minus strand). Cytogenetic location: 3q13.33.
Variant type: single nucleotide variant.
Coding change: c.455T>G on transcript NM_001023570.4 (MANE Select); coding-DNA position 455, T replaced by G.
Protein change: p.Leu152Arg; replaces leucine 152 with arginine.
Molecular consequence: missense variant. On other transcripts: non-coding transcript variant (1).
Genome position (GRCh38, 1-based): chr3:121,808,948, A>C on the plus strand (T>G on the coding strand, the complement: IQCB1 is on the minus strand). VCF-style: chr3-121808948-A-C. GRCh37 (hg19) VCF-style: chr3-121527795-A-C.
Other names: c.455T>G, p.Leu152Arg (NM_001023571.4, NM_001319107.2); short protein forms L152R.
Identifiers: ClinVar variation 2201121 (VCV002201121.3), dbSNP rs747619740, ClinGen allele CA2567421.
Genomic context (GRCh38, chr3:121,808,948, plus strand): 5'-TTAGTTACATTAAAATCTTTTCTCTTACCATTCTGAATAAGTTCAACATGGCCTCCCAAA[A>C]GCCAGAAGAGAGAATCAGTCACAATTTGGAAAAAGTGTAGTAATTCATCTTTTTCTTCAG-3'
Protein context (NP_001018864.2, residues 142-162): FQIVTDSLFW[Leu152Arg]LGGHVELIQN